The following is an entry in ClinVar:

NM_198428.3(BBS9):c.354G>C (p.Gly118=)

Gene: BBS9 (Bardet-Biedl syndrome 9; plus strand). Cytogenetic location: 7p14.3.
Variant type: single nucleotide variant.
Coding change: c.354G>C on transcript NM_198428.3 (MANE Select); coding-DNA position 354, G replaced by C.
Protein change: p.Gly118=; no amino-acid change (glycine 118 retained).
Molecular consequence: synonymous variant. On other transcripts: 5 prime UTR variant (4), non-coding transcript variant (3).
Genome position (GRCh38, 1-based): chr7:33,177,503, G>C. VCF-style: chr7-33177503-G-C. GRCh37 (hg19) VCF-style: chr7-33217115-G-C.
Other names: c.354G>C, p.Gly118= (NM_001033604.2, NM_001033605.2, NM_001348036.1 and 5 more transcripts); c.-13G>C (NM_001348037.3, NM_001348044.3, NM_001348045.3 and 1 more transcripts); c.81G>C, p.Gly27= (NM_001348038.3, NM_001348039.3); c.219G>C, p.Gly73= (NM_001348042.3).
Identifiers: ClinVar variation 4998235 (VCV004998235.1).

ClinVar aggregate classification (germline): Likely benign (1 of 4 stars; one submission).

Conditions:
BBS9-related disorder. Also called: BBS9-related condition.

Submission:

PreventionGenetics, part of Exact Sciences
Classification: Likely benign for BBS9-related condition. Last evaluated: 2026-08-06. Review status: criteria provided, single submitter. Criteria: ACMG Guidelines, 2015. Collection method: clinical testing. Allele origin: germline.
Comment: This variant is classified as likely benign based on ACMG/AMP sequence variant interpretation guidelines (Richards et al. 2015 PMID: 25741868, with internal and published modifications).